The following is an entry in ClinVar:

ClinVar aggregate classification (germline): Uncertain significance. Review status: criteria provided, multiple submitters, no conflicts (2 of 4 stars). 3 submissions from 3 submitters: Uncertain significance (3). Last evaluated 2025-10-21.

Conditions:
Renal cell carcinoma. Identifiers: Orphanet 217071, MedGen C0007134, MeSH D002292, MONDO:0005086, HP:0005584.
Autosomal recessive nonsyndromic hearing loss 97. Also called: Deafness, autosomal recessive 97. Identifiers: Orphanet 90636, MedGen C4084709, MONDO:0014739, OMIM 616705.
Hereditary cancer-predisposing syndrome. Also called: Hereditary Cancer Syndrome; Hereditary neoplastic syndrome; Tumor predisposition; Neoplastic Syndromes, Hereditary. Identifiers: Orphanet 140162, MedGen C0027672, MeSH D009386, MONDO:0015356.

Allele frequency attached by ClinVar (database versions not stated): gnomAD exomes below 0.00001; TOPMed below 0.00001.
gnomAD v4.1: 5 of 1,614,042 alleles (0.00031%); highest among the groups gnomAD compares: Non-Finnish European, 0.00034%; no homozygotes.

Submissions (3):

Labcorp Genetics (formerly Invitae), Labcorp
Classification: Uncertain significance for Renal cell carcinoma. Last evaluated: 2025-10-21. Review status: criteria provided, single submitter. Criteria: Invitae Variant Classification Sherloc (09022015). Collection method: clinical testing. Allele origin: germline.
Comment: This sequence change replaces lysine, which is basic and polar, with glutamine, which is neutral and polar, at codon 306 of the MET protein (p.Lys306Gln). This variant is not present in population databases (gnomAD no frequency). This variant has not been reported in the literature in individuals affected with MET-related conditions. ClinVar contains an entry for this variant (Variation ID: 844464). Invitae Evidence Modeling of protein sequence and biophysical properties (such as structural, functional, and spatial information, amino acid conservation, physicochemical variation, residue mobility, and thermodynamic stability) indicates that this missense variant is expected to disrupt MET protein function with a positive predictive value of 80%. In summary, the available evidence is currently insufficient to determine the role of this variant in disease. Therefore, it has been classified as a Variant of Uncertain Significance.

Baylor Genetics
Classification: Uncertain significance for Autosomal recessive nonsyndromic hearing loss 97. Last evaluated: 2023-11-20. Review status: criteria provided, single submitter. Criteria: ACMG Guidelines, 2015. Collection method: clinical testing. Allele origin: unknown.

Ambry Genetics
Classification: Uncertain significance for Hereditary cancer-predisposing syndrome. Last evaluated: 2023-08-21. Review status: criteria provided, single submitter. Criteria: Ambry Variant Classification Scheme 2023. Collection method: clinical testing. Allele origin: germline.
Comment: The p.K306Q variant (also known as c.916A>C), located in coding exon 1 of the MET gene, results from an A to C substitution at nucleotide position 916. The lysine at codon 306 is replaced by glutamine, an amino acid with similar properties. This amino acid position is well conserved in available vertebrate species. In addition, this alteration is predicted to be tolerated by in silico analysis. Since supporting evidence is limited at this time, the clinical significance of this alteration remains unclear.

NM_000245.4(MET):c.916A>C (p.Lys306Gln)

Gene: MET (MET proto-oncogene, receptor tyrosine kinase; plus strand). Cytogenetic location: 7q31.2.
Variant type: single nucleotide variant.
Coding change: c.916A>C on transcript NM_000245.4 (MANE Select); coding-DNA position 916, A replaced by C.
Protein change: p.Lys306Gln; replaces lysine 306 with glutamine.
Molecular consequence: missense variant. On other transcripts: intron variant (1).
Genome position (GRCh38, 1-based): chr7:116,700,000, A>C. VCF-style: chr7-116700000-A-C. GRCh37 (hg19) VCF-style: chr7-116340054-A-C.
Other names: c.916A>C, p.Lys306Gln (NM_001127500.3, NM_001324401.3); c.-91+27423A>C (NM_001324402.2); short protein forms K306Q.
Identifiers: ClinVar variation 844464 (VCV000844464.11), dbSNP rs1032682239, ClinGen allele CA164889202.